The following is an entry in ClinVar:

ClinVar aggregate classification (germline): Uncertain significance (1 of 4 stars; one submission).

Conditions:
Diamond-Blackfan anemia. Also called: Blackfan Diamond syndrome; Aregenerative anemia chronic congenital; Red cell aplasia, pure hereditary; Congenital hypoplastic anemia; Aase syndrome. Identifiers: Orphanet 124, MedGen C1260899, MeSH D029503, MONDO:0015253, HP:0004810.
GATA binding protein 1 related thrombocytopenia with dyserythropoiesis. Also called: GATA1-Related Cytopenia; GATA1-Related X-Linked Cytopenia. Identifiers: MedGen C1845837, MONDO:0100089.

gnomAD v4.1: 2 of 1,204,532 alleles (0.00017%); highest among the groups gnomAD compares: Non-Finnish European, 0.00011%; no homozygotes.

Submission:

Labcorp Genetics (formerly Invitae), Labcorp
Classification: Uncertain significance for GATA binding protein 1 related thrombocytopenia with dyserythropoiesis; Diamond-Blackfan anemia. Last evaluated: 2025-02-09. Review status: criteria provided, single submitter. Criteria: Invitae Variant Classification Sherloc (09022015). Collection method: clinical testing. Allele origin: germline.
Comment: This sequence change replaces arginine, which is basic and polar, with methionine, which is neutral and non-polar, at codon 64 of the GATA1 protein (p.Arg64Met). This variant is not present in population databases (gnomAD no frequency). This variant has not been reported in the literature in individuals affected with GATA1-related conditions. Invitae Evidence Modeling of protein sequence and biophysical properties (such as structural, functional, and spatial information, amino acid conservation, physicochemical variation, residue mobility, and thermodynamic stability) has been performed for this missense variant. However, the output from this modeling did not meet the statistical confidence thresholds required to predict the impact of this variant on GATA1 protein function. In summary, the available evidence is currently insufficient to determine the role of this variant in disease. Therefore, it has been classified as a Variant of Uncertain Significance.

NM_002049.4(GATA1):c.191G>T (p.Arg64Met)

Gene: GATA1 (GATA binding protein 1; plus strand). Cytogenetic location: Xp11.23.
Variant type: single nucleotide variant.
Coding change: c.191G>T on transcript NM_002049.4 (MANE Select); coding-DNA position 191, G replaced by T.
Protein change: p.Arg64Met; replaces arginine 64 with methionine.
Molecular consequence: missense variant.
Genome position (GRCh38, 1-based): chrX:48,791,300, G>T. VCF-style: chrX-48791300-G-T. GRCh37 (hg19) VCF-style: chrX-48649707-G-T.
Other names: short protein forms R64M.
Identifiers: ClinVar variation 4783758 (VCV004783758.1).